The following is an entry in ClinVar:

ClinVar aggregate classification (germline): Uncertain significance (1 of 4 stars; one submission).

Submission:

Labcorp Genetics (formerly Invitae), Labcorp
Classification: Uncertain significance. Last evaluated: 2022-02-03. Review status: criteria provided, single submitter. Criteria: Invitae Variant Classification Sherloc (09022015). Collection method: clinical testing. Allele origin: germline.
Comment: This sequence change replaces histidine, which is basic and polar, with tyrosine, which is neutral and polar, at codon 150 of the NFE2L2 protein (p.His150Tyr). This variant is not present in population databases (gnomAD no frequency). This variant has not been reported in the literature in individuals affected with NFE2L2-related conditions. Algorithms developed to predict the effect of missense changes on protein structure and function (SIFT, PolyPhen-2, Align-GVGD) all suggest that this variant is likely to be tolerated. In summary, the available evidence is currently insufficient to determine the role of this variant in disease. Therefore, it has been classified as a Variant of Uncertain Significance.

NM_006164.5(NFE2L2):c.448C>T (p.His150Tyr)

Gene: NFE2L2 (NFE2 like bZIP transcription factor 2; minus strand). Cytogenetic location: 2q31.2.
Variant type: single nucleotide variant.
Coding change: c.448C>T on transcript NM_006164.5 (MANE Select); coding-DNA position 448, C replaced by T.
Protein change: p.His150Tyr; replaces histidine 150 with tyrosine.
Molecular consequence: missense variant.
Genome position (GRCh38, 1-based): chr2:177,232,538, G>A on the plus strand (C>T on the coding strand, the complement: NFE2L2 is on the minus strand). VCF-style: chr2-177232538-G-A. GRCh37 (hg19) VCF-style: chr2-178097266-G-A.
Other names: c.400C>T, p.His134Tyr (NM_001145412.3, NM_001313900.1, NM_001313901.1); c.379C>T, p.His127Tyr (NM_001145413.3); c.358C>T, p.His120Tyr (NM_001313902.2); c.229C>T, p.His77Tyr (NM_001313903.2); c.148C>T, p.His50Tyr (NM_001313904.1); short protein forms H150Y, H77Y, H134Y, H127Y, H120Y, H50Y.
Identifiers: ClinVar variation 2092563 (VCV002092563.4), dbSNP rs2468289473, ClinGen allele CA349376748.